The following is an entry in ClinVar:

NM_001170629.2(CHD8):c.1184C>T (p.Ser395Leu)

Gene: CHD8 (chromodomain helicase DNA binding protein 8; minus strand). Cytogenetic location: 14q11.2.
Variant type: single nucleotide variant.
Coding change: c.1184C>T on transcript NM_001170629.2 (MANE Select); coding-DNA position 1184, C replaced by T.
Protein change: p.Ser395Leu; replaces serine 395 with leucine.
Molecular consequence: missense variant.
Genome position (GRCh38, 1-based): chr14:21,428,995, G>A on the plus strand (C>T on the coding strand, the complement: CHD8 is on the minus strand). VCF-style: chr14-21428995-G-A. GRCh37 (hg19) VCF-style: chr14-21897154-G-A.
Other names: c.347C>T, p.Ser116Leu (NM_020920.4); short protein forms S395L, S116L.
Identifiers: ClinVar variation 3641835 (VCV003641835.9).
Genomic context (GRCh38, chr14:21,428,995, plus strand): 5'-TTCTTTTCCTTACTATGTAAGTCTCTCACCTGTGGCTGCAGTACCACCTTGACTGGTACT[G>A]AAAGTCTTTGTCCTGGGCTTTGTCCTGGTCCCATTATCTGAGCCTGCTGTACAGAGGACA-3'
Protein context (NP_001164100.1, residues 385-405): GPGQSPGQRL[Ser395Leu]VPVKVVLQPQ

ClinVar aggregate classification (germline): Uncertain significance. Review status: criteria provided, multiple submitters, no conflicts (2 of 4 stars). 2 submissions from 2 submitters: Uncertain significance (2). Last evaluated 2025-04-01.

Submissions (2):

CeGaT Center for Human Genetics Tuebingen
Classification: Uncertain significance. Last evaluated: 2025-04-01. Review status: criteria provided, single submitter. Criteria: CeGaT Center For Human Genetics Tuebingen Variant Classification Criteria Version 2. Collection method: clinical testing. Allele origin: germline. Affected: yes. Observed: 1 variant allele.
Comment: CHD8: PM2, BP4

Labcorp Genetics (formerly Invitae), Labcorp
Classification: Uncertain significance. Last evaluated: 2024-02-18. Review status: criteria provided, single submitter. Criteria: Invitae Variant Classification Sherloc (09022015). Collection method: clinical testing. Allele origin: germline.
Comment: This sequence change replaces serine, which is neutral and polar, with leucine, which is neutral and non-polar, at codon 395 of the CHD8 protein (p.Ser395Leu). This variant is not present in population databases (gnomAD no frequency). This variant has not been reported in the literature in individuals affected with CHD8-related conditions. Advanced modeling of protein sequence and biophysical properties (such as structural, functional, and spatial information, amino acid conservation, physicochemical variation, residue mobility, and thermodynamic stability) performed at Invitae indicates that this missense variant is not expected to disrupt CHD8 protein function with a negative predictive value of 80%. In summary, the available evidence is currently insufficient to determine the role of this variant in disease. Therefore, it has been classified as a Variant of Uncertain Significance.